The following is an entry in ClinVar:

NM_001330260.2(SCN8A):c.1468G>C (p.Glu490Gln)

Gene: SCN8A (sodium voltage-gated channel alpha subunit 8; plus strand). Cytogenetic location: 12q13.13.
Variant type: single nucleotide variant.
Coding change: c.1468G>C on transcript NM_001330260.2 (MANE Select); coding-DNA position 1468, G replaced by C.
Protein change: p.Glu490Gln; replaces glutamic acid 490 with glutamine.
Molecular consequence: missense variant.
Genome position (GRCh38, 1-based): chr12:51,706,548, G>C. VCF-style: chr12-51706548-G-C. GRCh37 (hg19) VCF-style: chr12-52100332-G-C.
Other names: c.1468G>C, p.Glu490Gln (NM_001177984.3, NM_001369788.1, NM_014191.4); short protein forms E490Q.
Identifiers: ClinVar variation 935439 (VCV000935439.10), dbSNP rs1555219752, ClinGen allele CA385228865.

ClinVar aggregate classification (germline): Uncertain significance (1 of 4 stars; one submission).

Conditions:
Early-infantile DEE. Also called: Early infantile epileptic encephalopathy; Ohtahara syndrome; Early infantile epileptic encephalopathy with suppression bursts. Identifiers: Orphanet 1934, MedGen C0393706, MONDO:0800491.

Submission:

Labcorp Genetics (formerly Invitae), Labcorp
Classification: Uncertain significance for Early-infantile DEE. Last evaluated: 2020-03-05. Review status: criteria provided, single submitter. Criteria: Invitae Variant Classification Sherloc (09022015). Collection method: clinical testing. Allele origin: germline.
Comment: In summary, the available evidence is currently insufficient to determine the role of this variant in disease. Therefore, it has been classified as a Variant of Uncertain Significance. Algorithms developed to predict the effect of missense changes on protein structure and function are either unavailable or do not agree on the potential impact of this missense change (SIFT: "Deleterious"; PolyPhen-2: "Probably Damaging"; Align-GVGD: "Class C0"). This variant has not been reported in the literature in individuals with SCN8A-related conditions. This variant is not present in population databases (ExAC no frequency). This sequence change replaces glutamic acid with glutamine at codon 490 of the SCN8A protein (p.Glu490Gln). The glutamic acid residue is highly conserved and there is a small physicochemical difference between glutamic acid and glutamine.